The following is an entry in ClinVar:

NM_004655.4(AXIN2):c.2237+9C>G

Gene: AXIN2 (axin 2; minus strand). Cytogenetic location: 17q24.1.
Variant type: single nucleotide variant.
Coding change: c.2237+9C>G on transcript NM_004655.4 (MANE Select); 9 bases into the intron after coding-DNA position 2237, C replaced by G.
Molecular consequence: intron variant.
Genome position (GRCh38, 1-based): chr17:65,535,617, G>C on the plus strand (C>G on the coding strand, the complement: AXIN2 is on the minus strand). VCF-style: chr17-65535617-G-C. GRCh37 (hg19) VCF-style: chr17-63531735-G-C.
Other names: c.2042+9C>G (NM_001363813.1).
Identifiers: ClinVar variation 2105676 (VCV002105676.5), dbSNP rs765303595, ClinGen allele CA8718369.

ClinVar aggregate classification (germline): Likely benign. Review status: criteria provided, multiple submitters, no conflicts (2 of 4 stars). 2 submissions from 2 submitters: Likely benign (2). Last evaluated 2024-07-10.

Conditions:
Oligodontia-cancer predisposition syndrome. Also called: TOOTH AGENESIS-COLORECTAL CANCER SYNDROME. Identifiers: Orphanet 300576, MedGen C1837750, MONDO:0012075, OMIM 608615. Disease mechanism: loss of function.

Submissions (2):

Myriad Genetics, Inc.
Classification: Likely benign for Oligodontia-cancer predisposition syndrome. Last evaluated: 2024-07-10. Review status: criteria provided, single submitter. Criteria: Myriad Autosomal Dominant, Autosomal Recessive and X-Linked Classification Criteria (2023). Collection method: clinical testing. Allele origin: unknown.
Comment: This variant is considered likely benign. This variant is intronic and is not expected to impact mRNA splicing.

Labcorp Genetics (formerly Invitae), Labcorp
Classification: Likely benign for Oligodontia-cancer predisposition syndrome. Last evaluated: 2022-03-02. Review status: criteria provided, single submitter. Criteria: Invitae Variant Classification Sherloc (09022015). Collection method: clinical testing. Allele origin: germline.